The following is an entry in ClinVar:

NM_080764.4(ZNF280B):c.1515G>A (p.Val505=)

Genes: IGL (immunoglobulin lambda locus; plus strand), ZNF280B (zinc finger protein 280B; minus strand). Cytogenetic location: 22q11.22.
Variant type: single nucleotide variant.
Coding change: c.1515G>A on transcript NM_080764.4 (MANE Select); coding-DNA position 1515, G replaced by A.
Protein change: p.Val505=; no amino-acid change (valine 505 retained).
Molecular consequence: synonymous variant. On other transcripts: non-coding transcript variant (1).
Genome position (GRCh38, 1-based): chr22:22,487,884, C>T on the plus strand (G>A on the coding strand, the complement: ZNF280B is on the minus strand). VCF-style: chr22-22487884-C-T. GRCh37 (hg19) VCF-style: chr22-22842209-C-T.
Identifiers: ClinVar variation 4873138 (VCV004873138.2).

ClinVar aggregate classification (germline): Likely benign (1 of 4 stars; one submission).

gnomAD v4.1: 1 of 1,613,824 alleles (0.000062%); highest among the groups gnomAD compares: Admixed American, 0.0017%; no homozygotes.

Submission:

CeGaT Center for Human Genetics Tuebingen
Classification: Likely benign. Last evaluated: 2026-05-01. Review status: criteria provided, single submitter. Criteria: CeGaT Center For Human Genetics Tuebingen Variant Classification Criteria Version 2. Collection method: clinical testing. Allele origin: germline. Affected: yes. Observed: 1 variant allele.
Comment: ZNF280B: BP4, BP7